The following is an entry in ClinVar:

ClinVar aggregate classification (germline): Conflicting classifications of pathogenicity. Review status: criteria provided, conflicting classifications (1 of 4 stars). 2 submissions from 2 submitters: Likely pathogenic (1); Uncertain significance (1). Last evaluated 2025-05-20.

Allele frequency attached by ClinVar (database versions not stated): gnomAD exomes below 0.00001 and 0.00001.
gnomAD v4.1: 6 of 1,613,850 alleles (0.00037%); highest among the groups gnomAD compares: Non-Finnish European, 0.00051%; no homozygotes.

Submissions (2):

Women's Health and Genetics/Laboratory Corporation of America, LabCorp
Classification: Uncertain significance. Last evaluated: 2025-05-20. Review status: criteria provided, single submitter. Criteria: LabCorp Variant Classification Summary - May 2015. Collection method: clinical testing. Allele origin: germline.
Comment: Variant summary: PEX6 c.2875C>T (p.Gln959X) results in a premature termination codon, predicted to cause a truncation of the encoded protein or absence of the protein due to nonsense mediated decay, which are commonly known mechanisms for disease. The variant allele was found at a frequency of 8e-06 in 249828 control chromosomes (gnomAD). The available data on variant occurrences in the general population are insufficient to allow any conclusion about variant significance. To our knowledge, no occurrence of c.2875C>T in individuals affected with Zellweger Syndrome and no experimental evidence demonstrating its impact on protein function have been reported. The following publications have been ascertained in the context of this evaluation (PMID: 31964843, 32399598). ClinVar contains an entry for this variant (Variation ID: 809934). Based on the evidence outlined above, the variant was classified as uncertain significance.

CeGaT Center for Human Genetics Tuebingen
Classification: Likely pathogenic. Last evaluated: 2017-05-01. Review status: criteria provided, single submitter. Criteria: CeGaT Center For Human Genetics Tuebingen Variant Classification Criteria Version 2. Collection method: clinical testing. Allele origin: germline. Affected: yes. Observed: 1 variant allele.

Literature cited by the submitters: PubMed 32399598 (cited by Women's Health and Genetics/Laboratory Corporation of America, LabCorp); PubMed 31964843 (cited by Women's Health and Genetics/Laboratory Corporation of America, LabCorp).

NM_000287.4(PEX6):c.2875C>T (p.Gln959Ter)

Gene: PEX6 (peroxisomal biogenesis factor 6; minus strand). Cytogenetic location: 6p21.1.
Variant type: single nucleotide variant.
Coding change: c.2875C>T on transcript NM_000287.4 (MANE Select); coding-DNA position 2875, C replaced by T.
Protein change: p.Gln959Ter; replaces glutamine 959 with a stop codon.
Molecular consequence: nonsense. On other transcripts: non-coding transcript variant (1).
Genome position (GRCh38, 1-based): chr6:42,964,403, G>A on the plus strand (C>T on the coding strand, the complement: PEX6 is on the minus strand). VCF-style: chr6-42964403-G-A. GRCh37 (hg19) VCF-style: chr6-42932141-G-A.
Other names: c.2611C>T, p.Gln871Ter (NM_001316313.2); short protein forms Q959*, Q871*.
Identifiers: ClinVar variation 809934 (VCV000809934.42), dbSNP rs1437291000, ClinGen allele CA364149343.
Genomic context (GRCh38, chr6:42,964,403, plus strand): 5'-CAGCAAACTTGCGCTGGATGCGCTTGTACCGGAGCAGCTCCTGCTCACTGACTGAGGGTT[G>A]CAGCCGGGCGGCAGCCTGCAGCAAGTCCTCCATGGTGAGCATCAGTGCTGAGCTACCTGG-3'